The following is an entry in ClinVar:

NM_001025603.2(RFX5):c.944C>T (p.Pro315Leu)

Gene: RFX5 (regulatory factor X5; minus strand). Cytogenetic location: 1q21.3.
Variant type: single nucleotide variant.
Coding change: c.944C>T on transcript NM_001025603.2 (MANE Select); coding-DNA position 944, C replaced by T.
Protein change: p.Pro315Leu; replaces proline 315 with leucine.
Molecular consequence: missense variant.
Genome position (GRCh38, 1-based): chr1:151,343,093, G>A on the plus strand (C>T on the coding strand, the complement: RFX5 is on the minus strand). VCF-style: chr1-151343093-G-A. GRCh37 (hg19) VCF-style: chr1-151315569-G-A.
Other names: c.944C>T, p.Pro315Leu (NM_000449.4, NM_001379412.1, NM_001379413.1 and 5 more transcripts); c.824C>T, p.Pro275Leu (NM_001379419.1, NM_001379420.1); short protein forms P275L, P315L.
Identifiers: ClinVar variation 2088089 (VCV002088089.4), dbSNP rs2529020997, ClinGen allele CA341931200.

ClinVar aggregate classification (germline): Uncertain significance (1 of 4 stars; one submission).

Conditions:
MHC class II deficiency. Also called: Bare lymphocyte syndrome 2; BLS, TYPE II. Identifiers: Orphanet 572, MedGen C5447452, MONDO:0008855.

Allele frequency attached by ClinVar (database versions not stated): gnomAD exomes below 0.00001.

Submission:

Labcorp Genetics (formerly Invitae), Labcorp
Classification: Uncertain significance for MHC class II deficiency. Last evaluated: 2022-07-26. Review status: criteria provided, single submitter. Criteria: Invitae Variant Classification Sherloc (09022015). Collection method: clinical testing. Allele origin: germline.
Comment: In summary, the available evidence is currently insufficient to determine the role of this variant in disease. Therefore, it has been classified as a Variant of Uncertain Significance. Algorithms developed to predict the effect of missense changes on protein structure and function are either unavailable or do not agree on the potential impact of this missense change (SIFT: "Tolerated"; PolyPhen-2: "Possibly Damaging"; Align-GVGD: "Class C0"). This variant has not been reported in the literature in individuals affected with RFX5-related conditions. This variant is not present in population databases (gnomAD no frequency). This sequence change replaces proline, which is neutral and non-polar, with leucine, which is neutral and non-polar, at codon 315 of the RFX5 protein (p.Pro315Leu).